The following is an entry in ClinVar:

NM_001379286.1(ZNF423):c.1085G>T (p.Ser362Ile)

Gene: ZNF423 (zinc finger protein 423; minus strand). Cytogenetic location: 16q12.1.
Variant type: single nucleotide variant.
Coding change: c.1085G>T on transcript NM_001379286.1 (MANE Select); coding-DNA position 1085, G replaced by T.
Protein change: p.Ser362Ile; replaces serine 362 with isoleucine.
Molecular consequence: missense variant.
Genome position (GRCh38, 1-based): chr16:49,638,091, C>A on the plus strand (G>T on the coding strand, the complement: ZNF423 is on the minus strand). VCF-style: chr16-49638091-C-A. GRCh37 (hg19) VCF-style: chr16-49672002-C-A.
Other names: c.881G>T, p.Ser294Ile (NM_001271620.2); c.710G>T, p.Ser237Ile (NM_001330533.2); c.1061G>T, p.Ser354Ile (NM_015069.5); short protein forms S354I, S237I, S362I, S294I.
Identifiers: ClinVar variation 2010227 (VCV002010227.4), dbSNP rs2507017648, ClinGen allele CA395850351.
Genomic context (GRCh38, chr16:49,638,091, plus strand): 5'-GAGTCGGGTGTGGCGCTGCTCATGGAGGCCACGCTGCCCAGTACAGGGTCGGGACTGACA[C>A]TGTGGTTGCTGGAGTCGGGCTGCCGGTGGCTGTCCAGGTGGCAGTAGACACCTTCCACTG-3'
Protein context (NP_001366215.1, residues 352-372): SHRQPDSSNH[Ser362Ile]VSPDPVLGSV

ClinVar aggregate classification (germline): Uncertain significance (1 of 4 stars; one submission).

Conditions:
Nephronophthisis 14 (NPHP14). Identifiers: Orphanet 2318, MedGen C3539071, MONDO:0013916, OMIM 614844.

Submission:

Labcorp Genetics (formerly Invitae), Labcorp
Classification: Uncertain significance for Nephronophthisis 14. Last evaluated: 2025-01-15. Review status: criteria provided, single submitter. Criteria: Invitae Variant Classification Sherloc (09022015). Collection method: clinical testing. Allele origin: germline.
Comment: This sequence change replaces serine, which is neutral and polar, with isoleucine, which is neutral and non-polar, at codon 354 of the ZNF423 protein (p.Ser354Ile). This variant is not present in population databases (gnomAD no frequency). This variant has not been reported in the literature in individuals affected with ZNF423-related conditions. ClinVar contains an entry for this variant (Variation ID: 2010227). Invitae Evidence Modeling of protein sequence and biophysical properties (such as structural, functional, and spatial information, amino acid conservation, physicochemical variation, residue mobility, and thermodynamic stability) indicates that this missense variant is not expected to disrupt ZNF423 protein function with a negative predictive value of 80%. In summary, the available evidence is currently insufficient to determine the role of this variant in disease. Therefore, it has been classified as a Variant of Uncertain Significance.